The following is an entry in ClinVar:

ClinVar aggregate classification (germline): Conflicting classifications of pathogenicity. Review status: criteria provided, conflicting classifications (1 of 4 stars). 11 submissions from 11 submitters: Uncertain significance (1); Benign (1); Likely benign (6). 3 of the submissions do not count toward it. Last evaluated 2025-12-30.

Conditions:
Hereditary cancer-predisposing syndrome. Also called: Tumor predisposition; Hereditary Cancer Syndrome; Hereditary neoplastic syndrome; Neoplastic Syndromes, Hereditary. Identifiers: Orphanet 140162, MedGen C0027672, MeSH D009386, MONDO:0015356.
Ataxia-telangiectasia syndrome (AT). Also called: Ataxia telangiectasia (A-T); LOUIS-BAR SYNDROME; Cerebello-oculocutaneous telangiectasia; Immunodeficiency with ataxia telangiectasia; ATAXIA-TELANGIECTASIA, COMPLEMENTATION GROUP A; ATAXIA-TELANGIECTASIA, FRESNO VARIANT. Identifiers: Orphanet 100, MedGen C0004135, MONDO:0008840, OMIM 208900.
Familial cancer of breast. Also called: hereditary breast carcinoma; BREAST CANCER, FAMILIAL; Hereditary breast cancer. Identifiers: Orphanet 227535, MedGen C0346153, MONDO:0016419, OMIM 114480. Disease mechanism: loss of function.
Malignant tumor of breast. Also called: Malignant breast neoplasm; Cancer breast. Identifiers: MedGen C0006142, MONDO:0007254. Disease mechanism: loss of function.

Allele frequency attached by ClinVar (database versions not stated): ExAC 0.00001; gnomAD 0.00001; gnomAD exomes 0.00002.
gnomAD v4.1: 34 of 1,613,584 alleles (0.0021%); highest among the groups gnomAD compares: Non-Finnish European, 0.0025%; no homozygotes.

Submissions (11):

Labcorp Genetics (formerly Invitae), Labcorp
Classification: Likely benign for Ataxia-telangiectasia syndrome. Last evaluated: 2025-12-30. Review status: criteria provided, single submitter. Criteria: Invitae Variant Classification Sherloc (09022015). Collection method: clinical testing. Allele origin: germline.

Women's Health and Genetics/Laboratory Corporation of America, LabCorp
Classification: Likely benign. Last evaluated: 2025-04-17. Review status: criteria provided, single submitter. Criteria: LabCorp Variant Classification Summary - May 2015. Collection method: clinical testing. Allele origin: germline.
Comment: Variant summary: ATM c.2467-7C>T alters a non-conserved nucleotide located at a position not widely known to affect splicing. Consensus agreement among computation tools predict no significant impact on normal splicing. However, these predictions have yet to be confirmed by functional studies. The variant allele was found at a frequency of 2.4e-05 in 251102 control chromosomes (gnomAD). The available data on variant occurrences in the general population are insufficient to allow any conclusion about variant significance. To our knowledge, no occurrence of c.2467-7C>T in individuals affected with Ataxia-Telangiectasia and no experimental evidence demonstrating its impact on protein function have been reported. ClinVar contains an entry for this variant (Variation ID: 236691). Based on the evidence outlined above, the variant was classified as likely benign.

Mayo Clinic Laboratories, Mayo Clinic
Classification: Likely benign. Last evaluated: 2025-03-18. Review status: criteria provided, single submitter. Criteria: ACMG Guidelines, 2015. Collection method: clinical testing. Allele origin: germline. Observed: 1 variant allele.
Comment: BP4, BP7

Myriad Genetics, Inc.
Classification: Benign for Familial cancer of breast. Last evaluated: 2024-05-09. Review status: criteria provided, single submitter. Criteria: Myriad Autosomal Dominant, Autosomal Recessive and X-Linked Classification Criteria (2023). Collection method: clinical testing. Allele origin: unknown.
Comment: This variant is considered benign. This variant is intronic and is not expected to impact mRNA splicing. This variant is strongly associated with less severe personal and family histories of cancer, typical for individuals without pathogenic variants in this gene [PMID: 25085752].

ARUP Laboratories, Molecular Genetics and Genomics, ARUP Laboratories
Classification: Likely benign. Last evaluated: 2023-08-30. Review status: criteria provided, single submitter. Criteria: ARUP Molecular Germline Variant Investigation Process 2024. Collection method: clinical testing. Allele origin: germline.

Sema4
Classification: Uncertain significance for Hereditary cancer-predisposing syndrome. Last evaluated: 2021-05-17. Review status: criteria provided, single submitter. Criteria: Sema4 Curation Guidelines. Collection method: curation. Allele origin: germline.
Comment: The ATM c.2467-7C>T variant has not been reported in the literature to our knowledge. It was observed in 2/10064 chromosomes in the Ashkenazi Jewish subpopulation in the large and broad cohorts of the Genome Aggregation Database (PMID: 32461654). The variant has been reported in ClinVar (Variation ID: 236691). In silico tools suggest the impact of the variant on protein splicing is benign, though these predictions have not been confirmed by functional studies. The evidence is insufficient to meet ACMG/AMP criteria for classifying the variant as benign or pathogenic. Thus, the clinical significance of this variant is currently uncertain.

GeneDx
Classification: Likely benign. Last evaluated: 2019-10-15. Review status: criteria provided, single submitter. Criteria: GeneDx Variant Classification Process June 2021. Collection method: clinical testing. Allele origin: germline. Affected: yes.

Color Diagnostics, LLC DBA Color Health
Classification: Likely benign for Hereditary cancer-predisposing syndrome. Last evaluated: 2017-06-14. Review status: criteria provided, single submitter. Criteria: ACMG Guidelines, 2015. Collection method: clinical testing. Allele origin: germline.

Department of Pathology and Laboratory Medicine, Sinai Health System
Classification: Uncertain significance for Malignant tumor of breast. Review status: no assertion criteria provided. Collection method: clinical testing. Allele origin: unknown. Affected: yes. Study: The Canadian Open Genetics Repository (COGR). Not counted in ClinVar's aggregate classification.
Comment: The ATM c.2467-7C>T variant was not identified in the literature nor was it identified in the COGR, Cosmic, LOVD 3.0, or the ATM-LOVD database. The variant was identified in dbSNP (ID: rs768850329) as "With Uncertain significance allele", and in ClinVar (classified as likely benign by Invitae, GeneDx, Color Genomics; as uncertain significance by Integrated Genetics/Laboratory Corporation of America). The variant was identified in control databases in 5 of 245888 chromosomes at a frequency of 0.00002 (Genome Aggregation Database Feb 27, 2017). The variant was observed in the following populations: European Non-Finnish in 3 of 111516 chromosomes (freq: 0.00003), and Ashkenazi Jewish in 2 of 9834 chromosomes (freq: 0.0002); it was not observed in the African, Other, Latino, East Asian, Finnish, and South Asian populations. The variant occurs outside of the splicing consensus sequence and in silico or computational prediction software programs (SpliceSiteFinder, MaxEntScan, NNSPLICE, GeneSplicer) do not predict a difference in splicing. In summary, based on the above information the clinical significance of this variant cannot be determined with certainty at this time. This variant is classified as a variant of uncertain significance.

Genome Diagnostics Laboratory, Amsterdam University Medical Center
Classification: Likely benign. Review status: no assertion criteria provided. Collection method: clinical testing. Allele origin: germline. Affected: yes. Study: VKGL Data-share Consensus. Not counted in ClinVar's aggregate classification.

Joint Genome Diagnostic Labs from Nijmegen and Maastricht, Radboudumc and MUMC+
Classification: Likely benign. Review status: no assertion criteria provided. Collection method: clinical testing. Allele origin: germline. Affected: yes. Study: VKGL Data-share Consensus. Not counted in ClinVar's aggregate classification.

Literature cited by the submitters: PubMed 25085752 (cited by Myriad Genetics, Inc.).

NM_000051.4(ATM):c.2467-7C>T

Gene: ATM (ATM serine/threonine kinase; plus strand). Cytogenetic location: 11q22.3.
Variant type: single nucleotide variant.
Coding change: c.2467-7C>T on transcript NM_000051.4 (MANE Select); 7 bases into the intron before coding-DNA position 2467, C replaced by T.
Molecular consequence: intron variant.
Genome position (GRCh38, 1-based): chr11:108,267,164, C>T. VCF-style: chr11-108267164-C-T. GRCh37 (hg19) VCF-style: chr11-108137891-C-T.
Other names: p.?; c.2467-7C>T (NM_001351834.2).
Identifiers: ClinVar variation 236691 (VCV000236691.25), dbSNP rs768850329, ClinGen allele CA6265046.